The following is an entry in ClinVar:

ClinVar aggregate classification (germline): Uncertain significance (1 of 4 stars; one submission).

Allele frequency attached by ClinVar (database versions not stated): gnomAD 0.00001; ExAC 0.00002; gnomAD exomes 0.00002; TOPMed 0.00002.

Submission:

Labcorp Genetics (formerly Invitae), Labcorp
Classification: Uncertain significance. Last evaluated: 2022-09-07. Review status: criteria provided, single submitter. Criteria: Invitae Variant Classification Sherloc (09022015). Collection method: clinical testing. Allele origin: germline.
Comment: This sequence change replaces arginine, which is basic and polar, with glutamine, which is neutral and polar, at codon 449 of the IRX5 protein (p.Arg449Gln). This variant is present in population databases (rs774396150, gnomAD 0.006%). This variant has not been reported in the literature in individuals affected with IRX5-related conditions. Algorithms developed to predict the effect of missense changes on protein structure and function are either unavailable or do not agree on the potential impact of this missense change (SIFT: "Deleterious"; PolyPhen-2: "Not Available"; Align-GVGD: "Class C0"). In summary, the available evidence is currently insufficient to determine the role of this variant in disease. Therefore, it has been classified as a Variant of Uncertain Significance.

NM_005853.6(IRX5):c.1346G>A (p.Arg449Gln)

Gene: IRX5 (iroquois homeobox 5; plus strand). Cytogenetic location: 16q12.2.
Variant type: single nucleotide variant.
Coding change: c.1346G>A on transcript NM_005853.6 (MANE Select); coding-DNA position 1346, G replaced by A.
Protein change: p.Arg449Gln; replaces arginine 449 with glutamine.
Molecular consequence: missense variant.
Genome position (GRCh38, 1-based): chr16:54,933,767, G>A. VCF-style: chr16-54933767-G-A. GRCh37 (hg19) VCF-style: chr16-54967679-G-A.
Other names: c.1343G>A, p.Arg448Gln (NM_001252197.1); short protein forms R448Q, R449Q.
Identifiers: ClinVar variation 1931712 (VCV001931712.5), dbSNP rs774396150, ClinGen allele CA8059381.